The following is an entry in ClinVar:

NM_000059.4(BRCA2):c.3109C>A (p.Gln1037Lys)

Gene: BRCA2 (BRCA2 DNA repair associated; plus strand). Cytogenetic location: 13q13.1.
Variant type: single nucleotide variant.
Coding change: c.3109C>A on transcript NM_000059.4 (MANE Select); coding-DNA position 3109, C replaced by A.
Protein change: p.Gln1037Lys; replaces glutamine 1037 with lysine.
Molecular consequence: missense variant.
Genome position (GRCh38, 1-based): chr13:32,337,464, C>A. VCF-style: chr13-32337464-C-A. GRCh37 (hg19) VCF-style: chr13-32911601-C-A.
Other names: short protein forms Q1037K.
Identifiers: ClinVar variation 420447 (VCV000420447.9), dbSNP rs80358557, ClinGen allele CA16619684.

ClinVar aggregate classification (germline): Conflicting classifications of pathogenicity. Review status: criteria provided, conflicting classifications (1 of 4 stars). 4 submissions from 4 submitters: Uncertain significance (3); Likely benign (1). Last evaluated 2023-07-07.

Conditions:
Hereditary cancer-predisposing syndrome. Also called: Hereditary neoplastic syndrome; Tumor predisposition; Neoplastic Syndromes, Hereditary; Hereditary Cancer Syndrome. Identifiers: Orphanet 140162, MedGen C0027672, MeSH D009386, MONDO:0015356.
Hereditary breast ovarian cancer syndrome. Also called: Hereditary breast and ovarian cancer; Hereditary breast and/or ovarian cancer syndrome; Hereditary breast and ovarian cancer syndrome; Hereditary breast and ovarian cancer syndrome (HBOC); Breast and ovarian cancer; BRCA1- and BRCA2-Associated Hereditary Breast and Ovarian Cancer. Identifiers: Orphanet 145, MedGen C0677776, MeSH D061325, MONDO:0003582. Disease mechanism: loss of function.

gnomAD v4.1: 1 of 1,612,256 alleles (0.000062%); no homozygotes.

Submissions (4):

Ambry Genetics
Classification: Uncertain significance for Hereditary cancer-predisposing syndrome. Last evaluated: 2023-07-07. Review status: criteria provided, single submitter. Criteria: Ambry Variant Classification Scheme 2023. Collection method: clinical testing. Allele origin: germline.
Comment: The p.Q1037K variant (also known as c.3109C>A), located in coding exon 10 of the BRCA2 gene, results from a C to A substitution at nucleotide position 3109. The glutamine at codon 1037 is replaced by lysine, an amino acid with similar properties. This alteration was identified in a study of Korean patients with epithelial ovarian cancer, fallopian tube cancer, or primary peritoneal carcinoma (Ha HI et al. J Gynecol Oncol, 2020 Nov;31:e83). This amino acid position is not well conserved in available vertebrate species. In addition, this alteration is predicted to be tolerated by in silico analysis. Since supporting evidence is limited at this time, the clinical significance of this alteration remains unclear.

University of Washington Department of Laboratory Medicine, University of Washington
Classification: Likely benign for Hereditary cancer-predisposing syndrome. Last evaluated: 2023-03-23. Review status: criteria provided, single submitter. Criteria: Dines et al. (Genet Med. 2020). Collection method: curation. Allele origin: germline.
Comment: Missense variant in a coldspot region where missense variants are very unlikely to be pathogenic (PMID:31911673).

BRCA2 exon 11 coldspot. Reclassification based on statistical prior probability.

Labcorp Genetics (formerly Invitae), Labcorp
Classification: Uncertain significance for Hereditary breast ovarian cancer syndrome. Last evaluated: 2023-03-07. Review status: criteria provided, single submitter. Criteria: Invitae Variant Classification Sherloc (09022015). Collection method: clinical testing. Allele origin: germline.
Comment: This sequence change replaces glutamine, which is neutral and polar, with lysine, which is basic and polar, at codon 1037 of the BRCA2 protein (p.Gln1037Lys). The frequency data for this variant in the population databases is considered unreliable, as metrics indicate poor data quality at this position in the gnomAD database. This variant has not been reported in the literature in individuals affected with BRCA2-related conditions. ClinVar contains an entry for this variant (Variation ID: 420447). Advanced modeling of protein sequence and biophysical properties (such as structural, functional, and spatial information, amino acid conservation, physicochemical variation, residue mobility, and thermodynamic stability) performed at Invitae indicates that this missense variant is not expected to disrupt BRCA2 protein function. In summary, the available evidence is currently insufficient to determine the role of this variant in disease. Therefore, it has been classified as a Variant of Uncertain Significance.

GeneDx
Classification: Uncertain significance. Last evaluated: 2016-11-11. Review status: criteria provided, single submitter. Criteria: GeneDx Variant Classification (06012015). Collection method: clinical testing. Allele origin: germline. Affected: yes.
Comment: This variant is denoted BRCA2 c.3109C>A at the cDNA level, p.Gln1037Lys (Q1037K) at the protein level, and results in the change of a Glutamine to a Lysine (CAA>AAA). Using alternate nomenclature, this variant would be defined as BRCA2 3337C>A. This variant has not, to our knowledge, been published in the literature as pathogenic or benign. BRCA2 Gln1037Lys was not observed in approximately 6,500 individuals of European and African American ancestry in the NHLBI Exome Sequencing Project, suggesting it is not a common benign variant in these populations. Since Glutamine and Lysine differ in some properties, this is considered a semi-conservative amino acid substitution. BRCA2 Gln1037Lys occurs at a position that is not conserved and is located in the BRC1 domain and the RAD51 binding domain (Cole 2011, Roy 2012). In silico analyses are inconsistent regarding the effect this variant may have on protein structure and function. Based on currently available evidence, it is unclear whether BRCA2 Gln1037Lys is a pathogenic or benign variant. We consider it to be a variant of uncertain significance.

Literature cited by the submitters: PubMed 33078592 (cited by Ambry Genetics).